The following is an entry in ClinVar:

NM_022788.5(P2RY12):c.364C>T (p.Arg122Cys)

Genes: MED12L (mediator complex subunit 12L; plus strand), P2RY12 (purinergic receptor P2Y12; minus strand). Cytogenetic location: 3q25.1.
Variant type: single nucleotide variant.
Coding change: c.364C>T on transcript NM_022788.5 (MANE Select); coding-DNA position 364, C replaced by T.
Protein change: p.Arg122Cys; replaces arginine 122 with cysteine.
Molecular consequence: missense variant. On other transcripts: intron variant (2).
Genome position (GRCh38, 1-based): chr3:151,338,482, G>A on the plus strand (C>T on the coding strand, the complement: P2RY12 is on the minus strand). VCF-style: chr3-151338482-G-A. GRCh37 (hg19) VCF-style: chr3-151056270-G-A.
Other names: c.364C>T, p.Arg122Cys (NM_176876.3); c.2251-11577G>A (NM_001393769.1); c.2146-11577G>A (NM_053002.6); short protein forms R122C.
Identifiers: ClinVar variation 1686008 (VCV001686008.3), dbSNP rs557043245, ClinGen allele CA2667871.

ClinVar aggregate classification (germline): Conflicting classifications of pathogenicity. Review status: criteria provided, conflicting classifications (1 of 4 stars). 2 submissions from 2 submitters: Uncertain significance (1); Benign (1). Last evaluated 2025-03-06.

Allele frequency attached by ClinVar (database versions not stated): ExAC 0.00007; gnomAD exomes 0.00004 and 0.00003; gnomAD 0.00001; TOPMed 0.00002; 1000 Genomes Project 0.00020; 1000 Genomes Project 30x 0.00016.
gnomAD v4.1: 51 of 1,613,828 alleles (0.0032%); highest among the groups gnomAD compares: South Asian, 0.022%; no homozygotes.

Submissions (2):

Labcorp Genetics (formerly Invitae), Labcorp
Classification: Uncertain significance. Last evaluated: 2025-03-06. Review status: criteria provided, single submitter. Criteria: Invitae Variant Classification Sherloc (09022015). Collection method: clinical testing. Allele origin: germline.
Comment: This sequence change replaces arginine, which is basic and polar, with cysteine, which is neutral and slightly polar, at codon 122 of the P2RY12 protein (p.Arg122Cys). This variant is present in population databases (rs557043245, gnomAD 0.03%). This missense change has been observed in individual(s) with chronic bleeding disorder (PMID: 24612435). ClinVar contains an entry for this variant (Variation ID: 1686008). An algorithm developed to predict the effect of missense changes on protein structure and function (PolyPhen-2) suggests that this variant is likely to be disruptive. Experimental studies have shown that this missense change affects P2RY12 function (PMID: 24612435, 30406277). In summary, the available evidence is currently insufficient to determine the role of this variant in disease. Therefore, it has been classified as a Variant of Uncertain Significance.

Mendelics
Classification: Benign. Last evaluated: 2022-05-04. Review status: criteria provided, single submitter. Criteria: Mendelics Assertion Criteria 2019. Collection method: clinical testing. Allele origin: germline.

Literature cited by the submitters: PubMed 24612435 (cited by Labcorp Genetics (formerly Invitae), Labcorp); PubMed 30406277 (cited by Labcorp Genetics (formerly Invitae), Labcorp).